The following is an entry in ClinVar:

NM_000312.4(PROC):c.793C>T (p.Leu265Phe)

Gene: PROC (protein C, inactivator of coagulation factors Va and VIIIa; plus strand). Cytogenetic location: 2q14.3.
Variant type: single nucleotide variant.
Coding change: c.793C>T on transcript NM_000312.4 (MANE Select); coding-DNA position 793, C replaced by T.
Protein change: p.Leu265Phe; replaces leucine 265 with phenylalanine.
Molecular consequence: missense variant.
Genome position (GRCh38, 1-based): chr2:127,427,219, C>T. VCF-style: chr2-127427219-C-T. GRCh37 (hg19) VCF-style: chr2-128184795-C-T.
Other names: L223F; c.856C>T, p.Leu286Phe (NM_001375604.1); c.895C>T, p.Leu299Phe (NM_001375605.1); c.961C>T, p.Leu321Phe (NM_001375606.1); c.979C>T, p.Leu327Phe (NM_001375607.1); c.736C>T, p.Leu246Phe (NM_001375608.1); c.769C>T, p.Leu257Phe (NM_001375609.1); c.787C>T, p.Leu263Phe (NM_001375610.1); and 3 more; short protein forms L265F, L246F, L257F, L263F, L286F, L299F, L320F, L321F.
Identifiers: ClinVar variation 675 (VCV000000675.10), dbSNP rs121918156, ClinGen allele CA114419.

ClinVar aggregate classification (germline): Conflicting classifications of pathogenicity. Review status: criteria provided, conflicting classifications (1 of 4 stars). 6 submissions from 5 submitters: Likely pathogenic (4); Uncertain significance (1). 1 of the submissions does not count toward it. Last evaluated 2023-12-08.

Conditions:
PROC-related disorder. Also called: PROC-related condition.
Reduced protein C activity. Identifiers: MedGen C0398625, MeSH D020151, HP:0005543.
Deep venous thrombosis. Also called: Deep vein thrombosis. Identifiers: MedGen C0149871, MeSH D020246, HP:0002625.
Thrombophilia due to protein C deficiency, autosomal recessive. Also called: PROC DEFICIENCY, AUTOSOMAL RECESSIVE; PROTEIN C DEFICIENCY, AUTOSOMAL RECESSIVE. Identifiers: Orphanet 745, MedGen C2676759, MONDO:0012860, OMIM 612304.
Thrombophilia due to protein C deficiency, autosomal dominant. Also called: PROC DEFICIENCY, AUTOSOMAL DOMINANT; PROTEIN C DEFICIENCY, AUTOSOMAL DOMINANT. Identifiers: Orphanet 745, MedGen C2674321, MONDO:0008316, OMIM 176860. Disease mechanism: loss of function.

Allele frequency attached by ClinVar (database versions not stated): gnomAD exomes below 0.00001; TOPMed 0.00001.
gnomAD v4.1: 2 of 1,612,152 alleles (0.00012%); highest among the groups gnomAD compares: Non-Finnish European, 0.00017%; no homozygotes.

Submissions (6):

Blueprint Genetics
Classification: Likely pathogenic for PROC-related disorders. Last evaluated: 2023-12-08. Review status: criteria provided, single submitter. Criteria: ACMG Guidelines, 2015. Collection method: clinical testing. Allele origin: germline. Affected: yes. Observed: 3 variant alleles.

NIHR Bioresource Rare Diseases, University of Cambridge
Classification: Likely pathogenic for Deep venous thrombosis. Last evaluated: 2019-02-01. Review status: criteria provided, single submitter. Criteria: ACMG Guidelines, 2015. Collection method: research. Allele origin: unknown. Affected: yes. Observed: 1 heterozygote. Study: ThromboGenomics.

NIHR Bioresource Rare Diseases, University of Cambridge
Classification: Likely pathogenic for Reduced protein C activity. Last evaluated: 2019-02-01. Review status: criteria provided, single submitter. Criteria: ACMG Guidelines, 2015. Collection method: research. Allele origin: unknown. Affected: yes. Observed: 1 heterozygote. Study: ThromboGenomics.

Illumina Laboratory Services, Illumina
Classification: Uncertain significance for Thrombophilia due to protein C deficiency, autosomal dominant. Last evaluated: 2017-04-27. Review status: criteria provided, single submitter. Criteria: ICSL Variant Classification Criteria 13 December 2019. Collection method: clinical testing. Allele origin: germline.
Comment: This variant was observed as part of a predisposition screen in an ostensibly healthy population. A literature search was performed for the gene, cDNA change, and amino acid change (where applicable). Publications were found based on this search. However, the evidence from the literature, in combination with allele frequency data from public databases where available, was not sufficient to rule this variant in or out of causing disease. Therefore, this variant is classified as a variant of unknown significance.

ISTH-SSC Genomics in Thrombosis and Hemostasis, KU Leuven, Center for Molecular and Vascular Biology
Classification: Likely pathogenic for Thrombophilia due to protein C deficiency, autosomal dominant. Review status: criteria provided, single submitter. Criteria: ACMG Guidelines, 2015. Collection method: clinical testing. Allele origin: germline. Affected: yes. Observed: 1 heterozygote.
Comment: Submitted to the GoldVariant database by Kathleen Freson, Center for Molecular and Vascular Biology

OMIM
Classification: Pathogenic for THROMBOPHILIA DUE TO PROTEIN C DEFICIENCY, AUTOSOMAL RECESSIVE. Last evaluated: 1993-11-15. Review status: no assertion criteria provided. Collection method: literature only. Allele origin: germline. Not counted in ClinVar's aggregate classification.

Literature cited by the submitters: PubMed 31064749 (cited by NIHR Bioresource Rare Diseases, University of Cambridge); PubMed 8128429 (cited by Illumina Laboratory Services, Illumina and OMIM).